The following is an entry in ClinVar:

ClinVar aggregate classification (germline): Benign/Likely benign. Review status: criteria provided, multiple submitters, no conflicts (2 of 4 stars). 4 submissions from 4 submitters: Benign (1); Likely benign (3). Last evaluated 2026-07-14.

Conditions:
Lynch syndrome 5 (LYNCH5). Also called: Hereditary non-polyposis colorectal cancer, type 5; Colorectal cancer, hereditary nonpolyposis, type 5. Identifiers: Orphanet 144, MedGen C1833477, MONDO:0013710, OMIM 614350. Disease mechanism: loss of function.
Hereditary cancer-predisposing syndrome. Also called: Neoplastic Syndromes, Hereditary; Hereditary Cancer Syndrome; Hereditary neoplastic syndrome; Tumor predisposition. Identifiers: Orphanet 140162, MedGen C0027672, MeSH D009386, MONDO:0015356.

Submissions (4):

Ambry Genetics
Classification: Likely benign for Hereditary cancer-predisposing syndrome. Last evaluated: 2026-07-14. Review status: criteria provided, single submitter. Criteria: Ambry Variant Classification Scheme 2023. Collection method: clinical testing. Allele origin: germline.

Myriad Genetics, Inc.
Classification: Benign for Lynch syndrome 5. Last evaluated: 2024-12-26. Review status: criteria provided, single submitter. Criteria: Myriad Autosomal Dominant, Autosomal Recessive and X-Linked Classification Criteria (2023). Collection method: clinical testing. Allele origin: unknown.
Comment: This variant is considered benign. This variant is a silent/synonymous amino acid change and it is not expected to impact splicing.

Color Diagnostics, LLC DBA Color Health
Classification: Likely benign for Hereditary cancer-predisposing syndrome. Last evaluated: 2018-12-10. Review status: criteria provided, single submitter. Criteria: ACMG Guidelines, 2015. Collection method: clinical testing. Allele origin: germline.

GeneDx
Classification: Likely benign. Last evaluated: 2018-06-01. Review status: criteria provided, single submitter. Criteria: GeneDx Variant Classification (06012015). Collection method: clinical testing. Allele origin: germline. Affected: yes.
Comment: This variant is considered likely benign or benign based on one or more of the following criteria: it is a conservative change, it occurs at a poorly conserved position in the protein, it is predicted to be benign by multiple in silico algorithms, and/or has population frequency not consistent with disease.

NM_000179.3(MSH6):c.1305G>C (p.Leu435=)

Gene: MSH6 (mutS homolog 6; plus strand). Cytogenetic location: 2p16.3.
Variant type: single nucleotide variant.
Coding change: c.1305G>C on transcript NM_000179.3 (MANE Select); coding-DNA position 1305, G replaced by C.
Protein change: p.Leu435=; no amino-acid change (leucine 435 retained).
Molecular consequence: synonymous variant.
Genome position (GRCh38, 1-based): chr2:47,799,288, G>C. VCF-style: chr2-47799288-G-C. GRCh37 (hg19) VCF-style: chr2-48026427-G-C.
Other names: c.915G>C, p.Leu305= (NM_001281492.2); c.399G>C, p.Leu133= (NM_001281493.2, NM_001281494.2).
Identifiers: ClinVar variation 669386 (VCV000669386.5), dbSNP rs786203803, ClinGen allele CA426120905.